The following is an entry in ClinVar:

NM_019844.4(SLCO1B3):c.1996A>G (p.Met666Val)

Genes: SLCO1B3 (solute carrier organic anion transporter family member 1B3; plus strand), SLCO1B3-SLCO1B7 (SLCO1B3-SLCO1B7 readthrough; plus strand). Cytogenetic location: 12p12.2.
Variant type: single nucleotide variant.
Coding change: c.1996A>G on transcript NM_019844.4 (MANE Select); coding-DNA position 1996, A replaced by G.
Protein change: p.Met666Val; replaces methionine 666 with valine.
Molecular consequence: missense variant. On other transcripts: intron variant (1).
Genome position (GRCh38, 1-based): chr12:20,916,134, A>G. VCF-style: chr12-20916134-A-G. GRCh37 (hg19) VCF-style: chr12-21069068-A-G.
Other names: c.1912A>G, p.Met638Val (NM_001349920.2); c.1865+14667A>G (NM_001371097.1); short protein forms M666V, M638V.
Identifiers: ClinVar variation 4987024 (VCV004987024.1).

ClinVar aggregate classification (germline): Uncertain significance (1 of 4 stars; one submission).

Conditions:
SLCO1B3-related disorder. Also called: SLCO1B3-related condition.

Submission:

PreventionGenetics, part of Exact Sciences
Classification: Uncertain significance for SLCO1B3-related condition. Last evaluated: 2026-05-03. Review status: criteria provided, single submitter. Criteria: ACMG Guidelines, 2015. Collection method: clinical testing. Allele origin: germline.
Comment: The SLCO1B3 c.1996A>G variant is predicted to result in the amino acid substitution p.Met666Val. To our knowledge, this variant has not been reported in the literature. This variant is reported in 0.087% of alleles in individuals of East Asian descent in gnomAD. Although we suspect that this variant may be benign, at this time, the clinical significance of this variant is uncertain due to the absence of conclusive functional and genetic evidence.